The following is an entry in ClinVar:

NM_002839.4(PTPRD):c.2001G>A (p.Ser667=)

Gene: PTPRD (protein tyrosine phosphatase receptor type D; minus strand). Cytogenetic location: 9p24.1.
Variant type: single nucleotide variant.
Coding change: c.2001G>A on transcript NM_002839.4 (MANE Select); coding-DNA position 2001, G replaced by A.
Protein change: p.Ser667=; no amino-acid change (serine 667 retained).
Molecular consequence: synonymous variant. On other transcripts: intron variant (7).
Genome position (GRCh38, 1-based): chr9:8,500,881, C>T on the plus strand (G>A on the coding strand, the complement: PTPRD is on the minus strand). VCF-style: chr9-8500881-C-T. GRCh37 (hg19) VCF-style: chr9-8500881-C-T.
Other names: c.2001G>A, p.Ser667= (NM_001377958.1, NM_001378058.1); c.1792+3380G>A (NM_001171025.2); c.1804+3380G>A (NM_001377946.1, NM_130393.3); c.1813+3380G>A (NM_001377947.1, NM_001040712.2); c.1822+3380G>A (NM_130391.4, NM_130392.3).
Identifiers: ClinVar variation 3058007 (VCV003058007.2), dbSNP rs138805005, ClinGen allele CA4984338.

ClinVar aggregate classification (germline): Likely benign (0 of 4 stars; one submission).

Conditions:
PTPRD-related disorder. Also called: PTPRD-related condition.

Allele frequency attached by ClinVar (database versions not stated): ESP Exome Variant Server 0.00008; gnomAD 0.00030; TOPMed 0.00035; 1000 Genomes Project 30x 0.00062; ExAC 0.00072; 1000 Genomes Project 0.00080.
gnomAD v4.1: 567 of 1,614,034 alleles (0.035%); highest among the groups gnomAD compares: East Asian, 1%; 3 homozygotes.

Submission:

PreventionGenetics, part of Exact Sciences
Classification: Likely benign for PTPRD-related condition. Last evaluated: 2022-05-27. Review status: no assertion criteria provided. Collection method: clinical testing. Allele origin: germline.
Comment: This variant is classified as likely benign based on ACMG/AMP sequence variant interpretation guidelines (Richards et al. 2015 PMID: 25741868, with internal and published modifications).